The following is an entry in ClinVar:

ClinVar aggregate classification (germline): Uncertain significance (1 of 4 stars; one submission).

Conditions:
Hereditary sensory neuropathy-deafness-dementia syndrome. Also called: Hereditary sensory neuropathy type IE; NEUROPATHY, HEREDITARY SENSORY, WITH HEARING LOSS AND DEMENTIA; HSN IE; Hereditary Sensory and Autonomic Neuropathy Type 1E (HSAN1E). Identifiers: Orphanet 456318, MedGen C3279885, MONDO:0013584, OMIM 614116.

Allele frequency attached by ClinVar (database versions not stated): gnomAD exomes below 0.00001 and 0.00001; gnomAD 0.00001; TOPMed 0.00001; ExAC 0.00002.

Submission:

Labcorp Genetics (formerly Invitae), Labcorp
Classification: Uncertain significance for Hereditary sensory neuropathy-deafness-dementia syndrome. Last evaluated: 2024-05-18. Review status: criteria provided, single submitter. Criteria: Invitae Variant Classification Sherloc (09022015). Collection method: clinical testing. Allele origin: germline.
Comment: This sequence change replaces arginine, which is basic and polar, with glutamine, which is neutral and polar, at codon 313 of the DNMT1 protein (p.Arg313Gln). This variant is present in population databases (rs775360871, gnomAD 0.004%). This variant has not been reported in the literature in individuals affected with DNMT1-related conditions. ClinVar contains an entry for this variant (Variation ID: 576722). An algorithm developed to predict the effect of missense changes on protein structure and function (PolyPhen-2) suggests that this variant is likely to be tolerated. In summary, the available evidence is currently insufficient to determine the role of this variant in disease. Therefore, it has been classified as a Variant of Uncertain Significance.

NM_001130823.3(DNMT1):c.938G>A (p.Arg313Gln)

Gene: DNMT1 (DNA methyltransferase 1; minus strand). Cytogenetic location: 19p13.2.
Variant type: single nucleotide variant.
Coding change: c.938G>A on transcript NM_001130823.3 (MANE Select); coding-DNA position 938, G replaced by A.
Protein change: p.Arg313Gln; replaces arginine 313 with glutamine.
Molecular consequence: missense variant.
Genome position (GRCh38, 1-based): chr19:10,162,737, C>T on the plus strand (G>A on the coding strand, the complement: DNMT1 is on the minus strand). VCF-style: chr19-10162737-C-T. GRCh37 (hg19) VCF-style: chr19-10273413-C-T.
Other names: c.938G>A (LRG_362t1); c.890G>A, p.Arg297Gln (NM_001318730.2, NM_001379.4); c.575G>A, p.Arg192Gln (NM_001318731.2); short protein forms R313Q, R297Q, R192Q.
Identifiers: ClinVar variation 576722 (VCV000576722.8), dbSNP rs775360871, ClinGen allele CA9188505.